The following is an entry in ClinVar:

ClinVar aggregate classification (germline): Uncertain significance (1 of 4 stars; one submission).

Conditions:
Charcot-Marie-Tooth disease type 4. Also called: Charcot-Marie-Tooth disease, type IV; Charcot-Marie-Tooth, Type 4. Identifiers: Orphanet 64749, MedGen C4082197, MONDO:0018995.

Submission:

Labcorp Genetics (formerly Invitae), Labcorp
Classification: Uncertain significance for Charcot-Marie-Tooth disease type 4. Last evaluated: 2020-06-29. Review status: criteria provided, single submitter. Criteria: Invitae Variant Classification Sherloc (09022015). Collection method: clinical testing. Allele origin: germline.
Comment: In summary, the available evidence is currently insufficient to determine the role of this variant in disease. Therefore, it has been classified as a Variant of Uncertain Significance. Algorithms developed to predict the effect of missense changes on protein structure and function are either unavailable or do not agree on the potential impact of this missense change (SIFT: "Deleterious"; PolyPhen-2: "Benign"; Align-GVGD: "Class C0"). This variant has not been reported in the literature in individuals with SH3TC2-related conditions. This variant is not present in population databases (ExAC no frequency). This sequence change replaces glutamine with histidine at codon 105 of the SH3TC2 protein (p.Gln105His). The glutamine residue is highly conserved and there is a small physicochemical difference between glutamine and histidine.

NM_024577.4(SH3TC2):c.315G>C (p.Gln105His)

Gene: SH3TC2 (SH3 domain and tetratricopeptide repeats 2; minus strand). Cytogenetic location: 5q32.
Variant type: single nucleotide variant.
Coding change: c.315G>C on transcript NM_024577.4 (MANE Select); coding-DNA position 315, G replaced by C.
Protein change: p.Gln105His; replaces glutamine 105 with histidine.
Molecular consequence: missense variant.
Genome position (GRCh38, 1-based): chr5:149,044,603, C>G on the plus strand (G>C on the coding strand, the complement: SH3TC2 is on the minus strand). VCF-style: chr5-149044603-C-G. GRCh37 (hg19) VCF-style: chr5-148424166-C-G.
Other names: short protein forms Q105H.
Identifiers: ClinVar variation 1034899 (VCV001034899.8), dbSNP rs1754426829, ClinGen allele CA361676922.